The following is an entry in ClinVar:

NM_001114753.3(ENG):c.179C>A (p.Ala60Asp)

Gene: ENG (endoglin; minus strand). Cytogenetic location: 9q34.11.
Variant type: single nucleotide variant.
Coding change: c.179C>A on transcript NM_001114753.3 (MANE Select); coding-DNA position 179, C replaced by A.
Protein change: p.Ala60Asp; replaces alanine 60 with aspartic acid.
Molecular consequence: missense variant. On other transcripts: 5 prime UTR variant (1).
Genome position (GRCh38, 1-based): chr9:127,843,134, G>T on the plus strand (C>A on the coding strand, the complement: ENG is on the minus strand). VCF-style: chr9-127843134-G-T. GRCh37 (hg19) VCF-style: chr9-130605413-G-T.
Other names: c.179C>A, p.Ala60Asp (NM_000118.4, NM_001406715.1); c.-368C>A (NM_001278138.2); short protein forms A60D.
Identifiers: ClinVar variation 727948 (VCV000727948.8), dbSNP rs146100407, ClinGen allele CA5253216.

ClinVar aggregate classification (germline): Benign/Likely benign. Review status: criteria provided, multiple submitters, no conflicts (2 of 4 stars). 3 submissions from 3 submitters: Benign (1); Likely benign (1). 1 of the submissions does not count toward it. Last evaluated 2024-11-12.

Conditions:
Hereditary hemorrhagic telangiectasia (HHT). Also called: ORW DISEASE; Osler Weber Rendu syndrome; OSLER-RENDU-WEBER DISEASE; Osler hemorrhagic telangiectasia syndrome. Identifiers: Orphanet 774, MedGen C0039445, MONDO:0019180. Disease mechanism: loss of function.

Allele frequency attached by ClinVar (database versions not stated): gnomAD 0.00117 and 0.00113; ESP Exome Variant Server 0.00154; 1000 Genomes Project 0.00160; 1000 Genomes Project 30x 0.00156; TOPMed 0.00120.
gnomAD v4.1: 332 of 1,614,224 alleles (0.021%); highest among the groups gnomAD compares: African/African-American, 0.42%; no homozygotes.

Submissions (3):

Blueprint Genetics
Classification: Likely benign. Last evaluated: 2024-11-12. Review status: criteria provided, single submitter. Criteria: ACMG Guidelines, 2015. Collection method: clinical testing. Allele origin: germline.

Labcorp Genetics (formerly Invitae), Labcorp
Classification: Benign for Hereditary hemorrhagic telangiectasia. Last evaluated: 2019-12-31. Review status: criteria provided, single submitter. Criteria: Invitae Variant Classification Sherloc (09022015). Collection method: clinical testing. Allele origin: germline.

Department of Pathology and Laboratory Medicine, Sinai Health System
Classification: Uncertain significance. Review status: no assertion criteria provided. Collection method: clinical testing. Allele origin: unknown. Affected: yes. Study: The Canadian Open Genetics Repository (COGR). Not counted in ClinVar's aggregate classification.
Comment: The ENG p.Ala60Asp variant was not identified in the literature nor was it identified in ClinVar or Cosmic. The variant was identified in dbSNP (ID: rs146100407) and in LOVD 3.0 (variant is classified as likely benign). The variant was also identified in control databases in 113 of 282810 chromosomes at a frequency of 0.0004 increasing the likelihood this could be a low frequency benign variant (Genome Aggregation Database Feb 27, 2017). The variant was observed in the following populations: African in 110 of 24964 chromosomes (freq: 0.004406), Latino in 2 of 35436 chromosomes (freq: 0.000056) and European (non-Finnish) in 1 of 129132 chromosomes (freq: 0.000008); it was not observed in the Ashkenazi Jewish, East Asian, European (Finnish), Other or South Asian populations.The variant occurs outside of the splicing consensus sequence and in silico or computational prediction software programs (SpliceSiteFinder, MaxEntScan, NNSPLICE, GeneSplicer) do not predict a difference in splicing at the variant location. The p.Ala60 residue is conserved in mammals and computational analyses (PolyPhen-2, SIFT, AlignGVGD, BLOSUM, MutationTaster) provide inconsistent predictions regarding the impact to the protein; this information is not very predictive of pathogenicity. In summary, based on the above information the clinical significance of this variant cannot be determined with certainty at this time. This variant is classified as a variant of uncertain significance.